The following is an entry in ClinVar:

ClinVar aggregate classification (germline): Uncertain significance (1 of 4 stars; one submission).

Conditions:
Fanconi anemia complementation group J. Also called: BRIP1-Related Fanconi Anemia. Identifiers: Orphanet 84, MedGen C1836860, MONDO:0012187, OMIM 609054.
Familial cancer of breast. Also called: BREAST CANCER, FAMILIAL; Hereditary breast cancer; hereditary breast carcinoma. Identifiers: Orphanet 227535, MedGen C0346153, MONDO:0016419, OMIM 114480. Disease mechanism: loss of function.

Submission:

Labcorp Genetics (formerly Invitae), Labcorp
Classification: Uncertain significance for Familial cancer of breast; Fanconi anemia complementation group J. Last evaluated: 2020-10-20. Review status: criteria provided, single submitter. Criteria: Invitae Variant Classification Sherloc (09022015). Collection method: clinical testing. Allele origin: germline.
Comment: In summary, the available evidence is currently insufficient to determine the role of this variant in disease. Therefore, it has been classified as a Variant of Uncertain Significance. Algorithms developed to predict the effect of missense changes on protein structure and function are either unavailable or do not agree on the potential impact of this missense change (SIFT: "Deleterious"; PolyPhen-2: "Probably Damaging"; Align-GVGD: "Class C0"). This variant has not been reported in the literature in individuals with BRIP1-related conditions. This variant is not present in population databases (ExAC no frequency). This sequence change replaces glutamine with histidine at codon 728 of the BRIP1 protein (p.Gln728His). The glutamine residue is moderately conserved and there is a small physicochemical difference between glutamine and histidine.

NM_032043.3(BRIP1):c.2184G>C (p.Gln728His)

Gene: BRIP1 (BRCA1 interacting DNA helicase 1; minus strand). Cytogenetic location: 17q23.2.
Variant type: single nucleotide variant.
Coding change: c.2184G>C on transcript NM_032043.3 (MANE Select); coding-DNA position 2184, G replaced by C.
Protein change: p.Gln728His; replaces glutamine 728 with histidine.
Molecular consequence: missense variant.
Genome position (GRCh38, 1-based): chr17:61,744,505, C>G on the plus strand (G>C on the coding strand, the complement: BRIP1 is on the minus strand). VCF-style: chr17-61744505-C-G. GRCh37 (hg19) VCF-style: chr17-59821866-C-G.
Other names: short protein forms Q728H.
Identifiers: ClinVar variation 1045327 (VCV001045327.9), dbSNP rs2077031766, ClinGen allele CA400483067.